The following is an entry in ClinVar:

NM_022114.4(PRDM16):c.3413C>T (p.Ser1138Leu)

Gene: PRDM16 (PR/SET domain 16; plus strand). Cytogenetic location: 1p36.32.
Variant type: single nucleotide variant.
Coding change: c.3413C>T on transcript NM_022114.4 (MANE Select); coding-DNA position 3413, C replaced by T.
Protein change: p.Ser1138Leu; replaces serine 1138 with leucine.
Molecular consequence: missense variant.
Genome position (GRCh38, 1-based): chr1:3,431,000, C>T. VCF-style: chr1-3431000-C-T. GRCh37 (hg19) VCF-style: chr1-3347564-C-T.
Other names: c.3413C>T, p.Ser1138Leu (NM_199454.3); short protein forms S1138L.
Identifiers: ClinVar variation 2167524 (VCV002167524.4), dbSNP rs1386711962, ClinGen allele CA338004115.
Genomic context (GRCh38, chr1:3,431,000, plus strand): 5'-TGGAGGAGGAGGACGACGATGACCTGGAGGAGGACGATGAGGACAGCCTGGCCGGGAAGT[C>T]GCAGGATGACACCGTGTCCCCCGCACCCGAGCCCCAGGCCGCCTACGAGGATGAGGAGGA-3'
Protein context (NP_071397.3, residues 1128-1148): EDDEDSLAGK[Ser1138Leu]QDDTVSPAPE

ClinVar aggregate classification (germline): Uncertain significance (1 of 4 stars; one submission).

Conditions:
Left ventricular noncompaction 8 (LVNC8). Identifiers: Orphanet 154, Orphanet 54260, MedGen C3809288, MONDO:0014152, OMIM 615373.

Allele frequency attached by ClinVar (database versions not stated): gnomAD exomes 0.00001; TOPMed 0.00001.
gnomAD v4.1: 17 of 1,595,980 alleles (0.0011%); highest among the groups gnomAD compares: Non-Finnish European, 0.0015%; no homozygotes.

Submission:

Labcorp Genetics (formerly Invitae), Labcorp
Classification: Uncertain significance for Left ventricular noncompaction 8. Last evaluated: 2023-11-08. Review status: criteria provided, single submitter. Criteria: Invitae Variant Classification Sherloc (09022015). Collection method: clinical testing. Allele origin: germline.
Comment: This sequence change replaces serine, which is neutral and polar, with leucine, which is neutral and non-polar, at codon 1138 of the PRDM16 protein (p.Ser1138Leu). This variant is present in population databases (no rsID available, gnomAD 0.002%). This variant has not been reported in the literature in individuals affected with PRDM16-related conditions. ClinVar contains an entry for this variant (Variation ID: 2167524). An algorithm developed to predict the effect of missense changes on protein structure and function (PolyPhen-2) suggests that this variant is likely to be tolerated. In summary, the available evidence is currently insufficient to determine the role of this variant in disease. Therefore, it has been classified as a Variant of Uncertain Significance.